The following is an entry in ClinVar:

NC_000008.11:g.67195383TGA[3]

Genes: ARFGEF1 (ARF guanine nucleotide exchange factor 1; minus strand), CSPP1 (centrosome and spindle pole associated protein 1; plus strand). Cytogenetic location: 8q13.2.
Variant type: Microsatellite.
Genome position: GRCh38 VCF-style: chr8-67195380-A-AGAT. GRCh37 (hg19) VCF-style: chr8-68107615-A-AGAT.
Identifiers: ClinVar variation 1054442 (VCV001054442.9), dbSNP rs772729206, ClinGen allele CA2579181279.

ClinVar aggregate classification (germline): Uncertain significance (1 of 4 stars; one submission).

Conditions:
Joubert syndrome 21 (JBTS21). Identifiers: MedGen C3810212, MONDO:0014288, OMIM 615636.

Submission:

Labcorp Genetics (formerly Invitae), Labcorp
Classification: Uncertain significance for Joubert syndrome 21. Last evaluated: 2020-06-08. Review status: criteria provided, single submitter. Criteria: Invitae Variant Classification Sherloc (09022015). Collection method: clinical testing. Allele origin: germline.
Comment: This variant, c.3459_3461dup, results in the insertion of 1 amino acid(s) to the CSPP1 protein (p.Asp1153dup), but otherwise preserves the integrity of the reading frame. This variant has not been reported in the literature in individuals with CSPP1-related conditions. Experimental studies and prediction algorithms are not available or were not evaluated, and the functional significance of this variant is currently unknown. This variant is not present in population databases (ExAC no frequency). In summary, the available evidence is currently insufficient to determine the role of this variant in disease. Therefore, it has been classified as a Variant of Uncertain Significance.